The following is an entry in ClinVar:

NM_001304438.2(TMEM132E):c.2176C>G (p.Leu726Val)

Gene: TMEM132E (transmembrane protein 132E; plus strand). Cytogenetic location: 17q12.
Variant type: single nucleotide variant.
Coding change: c.2176C>G on transcript NM_001304438.2 (MANE Select); coding-DNA position 2176, C replaced by G.
Protein change: p.Leu726Val; replaces leucine 726 with valine.
Molecular consequence: missense variant.
Genome position (GRCh38, 1-based): chr17:34,637,183, C>G. VCF-style: chr17-34637183-C-G. GRCh37 (hg19) VCF-style: chr17-32964202-C-G.
Other names: short protein forms L726V.
Identifiers: ClinVar variation 1917886 (VCV001917886.5), dbSNP rs779867137, ClinGen allele CA8496919.

ClinVar aggregate classification (germline): Uncertain significance (1 of 4 stars; one submission).

Allele frequency attached by ClinVar (database versions not stated): ExAC 0.00001; gnomAD 0.00002; TOPMed 0.00002.
gnomAD v4.1: 28 of 1,600,282 alleles (0.0017%); highest among the groups gnomAD compares: Admixed American, 0.005%; no homozygotes.

Submission:

Labcorp Genetics (formerly Invitae), Labcorp
Classification: Uncertain significance. Last evaluated: 2023-07-07. Review status: criteria provided, single submitter. Criteria: Invitae Variant Classification Sherloc (09022015). Collection method: clinical testing. Allele origin: germline.
Comment: ClinVar contains an entry for this variant (Variation ID: 1917886). This variant has not been reported in the literature in individuals affected with TMEM132E-related conditions. This variant is present in population databases (rs779867137, gnomAD 0.003%). This sequence change replaces leucine, which is neutral and non-polar, with valine, which is neutral and non-polar, at codon 726 of the TMEM132E protein (p.Leu726Val). Experimental studies and prediction algorithms are not available or were not evaluated, and the functional significance of this variant is currently unknown. In summary, the available evidence is currently insufficient to determine the role of this variant in disease. Therefore, it has been classified as a Variant of Uncertain Significance.